The following is an entry in ClinVar:

ClinVar aggregate classification (germline): Likely benign. Review status: criteria provided, multiple submitters, no conflicts (2 of 4 stars). 2 submissions from 2 submitters: Likely benign (2). Last evaluated 2026-06-17.

Conditions:
ASCC3-related condition.

gnomAD v4.1: 364 of 1,613,624 alleles (0.023%); highest among the groups gnomAD compares: African/African-American, 0.39%; 1 homozygote.

Submissions (2):

PreventionGenetics, part of Exact Sciences
Classification: Likely benign for ASCC3-related condition. Last evaluated: 2026-06-17. Review status: criteria provided, single submitter. Criteria: ACMG Guidelines, 2015. Collection method: clinical testing. Allele origin: germline.
Comment: This variant is classified as likely benign based on ACMG/AMP sequence variant interpretation guidelines (Richards et al. 2015 PMID: 25741868, with internal and published modifications).

Blueprint Genetics
Classification: Likely benign. Last evaluated: 2024-11-01. Review status: criteria provided, single submitter. Criteria: ACMG Guidelines, 2015. Collection method: clinical testing. Allele origin: germline.

NM_006828.4(ASCC3):c.2238C>T (p.Pro746=)

Gene: ASCC3 (activating signal cointegrator 1 complex subunit 3; minus strand). Cytogenetic location: 6q16.3.
Variant type: single nucleotide variant.
Coding change: c.2238C>T on transcript NM_006828.4 (MANE Select); coding-DNA position 2238, C replaced by T.
Protein change: p.Pro746=; no amino-acid change (proline 746 retained).
Molecular consequence: synonymous variant.
Genome position (GRCh38, 1-based): chr6:100,679,666, G>A on the plus strand (C>T on the coding strand, the complement: ASCC3 is on the minus strand). VCF-style: chr6-100679666-G-A. GRCh37 (hg19) VCF-style: chr6-101127542-G-A.
Other names: c.2238C>T (NM_006828.3).
Identifiers: ClinVar variation 4893572 (VCV004893572.2).
Genomic context (GRCh38, chr6:100,679,666, plus strand): 5'-TTTGTTTCTTACCTGTTTTTCTGCAAGTACATAGTCATGTCCTTGGGTAGGAAAAAAGAA[G>A]GGAATATGGCCACAATTTTTTGCTCTTTCTATTAGAGACATAGCTGTTCTTACAGTGGCA-3'
Protein context (NP_006819.2, residues 736-756): IERAKNCGHI[Pro746=]FFFPTQGHDY